The following is an entry in ClinVar:

NM_152743.4(BRAT1):c.1691G>A (p.Ser564Asn)

Gene: BRAT1 (BRCA1 associated ATM activator 1; minus strand). Cytogenetic location: 7p22.3.
Variant type: single nucleotide variant.
Coding change: c.1691G>A on transcript NM_152743.4 (MANE Select); coding-DNA position 1691, G replaced by A.
Protein change: p.Ser564Asn; replaces serine 564 with asparagine.
Molecular consequence: missense variant. On other transcripts: non-coding transcript variant (1).
Genome position (GRCh38, 1-based): chr7:2,539,258, C>T on the plus strand (G>A on the coding strand, the complement: BRAT1 is on the minus strand). VCF-style: chr7-2539258-C-T. GRCh37 (hg19) VCF-style: chr7-2578892-C-T.
Other names: c.1691G>A, p.Ser564Asn (NM_001350626.2); c.1166G>A, p.Ser389Asn (NM_001350627.2); short protein forms S564N, S389N.
Identifiers: ClinVar variation 579915 (VCV000579915.8), dbSNP rs773268982, ClinGen allele CA366627241.

ClinVar aggregate classification (germline): Uncertain significance (1 of 4 stars; one submission).

Conditions:
Neonatal-onset encephalopathy with rigidity and seizures. Also called: Lethal neonatal spasticity-epileptic encephalopathy syndrome. Identifiers: Orphanet 435845, MedGen C3281029, MONDO:0013784, OMIM 614498.

Submission:

Labcorp Genetics (formerly Invitae), Labcorp
Classification: Uncertain significance for Neonatal-onset encephalopathy with rigidity and seizures. Last evaluated: 2018-02-06. Review status: criteria provided, single submitter. Criteria: Invitae Variant Classification Sherloc (09022015). Collection method: clinical testing. Allele origin: germline.
Comment: This variant has not been reported in the literature in individuals with BRAT1-related disease. In summary, the available evidence is currently insufficient to determine the role of this variant in disease. Therefore, it has been classified as a Variant of Uncertain Significance. Algorithms developed to predict the effect of missense changes on protein structure and function (SIFT, PolyPhen-2, Align-GVGD) all suggest that this variant is likely to be disruptive, but these predictions have not been confirmed by published functional studies and their clinical significance is uncertain. This variant is not present in population databases (ExAC no frequency). This sequence change replaces serine with asparagine at codon 564 of the BRAT1 protein (p.Ser564Asn). The serine residue is highly conserved and there is a small physicochemical difference between serine and asparagine.